The following is an entry in ClinVar:

NM_000261.2(MYOC):c.1443C>T (p.Pro481=)

Gene: MYOC (myocilin; minus strand). Cytogenetic location: 1q24.3.
Variant type: single nucleotide variant.
Coding change: c.1443C>T on transcript NM_000261.2 (MANE Select); coding-DNA position 1443, C replaced by T.
Protein change: p.Pro481=; no amino-acid change (proline 481 retained).
Molecular consequence: synonymous variant.
Genome position (GRCh38, 1-based): chr1:171,635,997, G>A on the plus strand (C>T on the coding strand, the complement: MYOC is on the minus strand). VCF-style: chr1-171635997-G-A. GRCh37 (hg19) VCF-style: chr1-171605137-G-A.
Identifiers: ClinVar variation 4983494 (VCV004983494.1).

ClinVar aggregate classification (germline): Likely benign (1 of 4 stars; one submission).

Conditions:
MYOC-related disorder. Also called: MYOC-related disorders; MYOC-related condition. Identifiers: MedGen CN239330.

Submission:

PreventionGenetics, part of Exact Sciences
Classification: Likely benign for MYOC-related condition. Last evaluated: 2026-05-29. Review status: criteria provided, single submitter. Criteria: ACMG Guidelines, 2015. Collection method: clinical testing. Allele origin: germline.
Comment: This variant is classified as likely benign based on ACMG/AMP sequence variant interpretation guidelines (Richards et al. 2015 PMID: 25741868, with internal and published modifications).